The following is an entry in ClinVar:

ClinVar aggregate classification (germline): Uncertain significance (1 of 4 stars; one submission).

Submission:

Labcorp Genetics (formerly Invitae), Labcorp
Classification: Uncertain significance. Last evaluated: 2022-04-18. Review status: criteria provided, single submitter. Criteria: Invitae Variant Classification Sherloc (09022015). Collection method: clinical testing. Allele origin: germline.
Comment: In summary, the available evidence is currently insufficient to determine the role of this variant in disease. Therefore, it has been classified as a Variant of Uncertain Significance. Algorithms developed to predict the effect of missense changes on protein structure and function output the following: SIFT: "Tolerated"; PolyPhen-2: "Benign"; Align-GVGD: "Class C0". The leucine amino acid residue is found in multiple mammalian species, which suggests that this missense change does not adversely affect protein function. This variant has not been reported in the literature in individuals affected with ADGRV1-related conditions. This variant is not present in population databases (gnomAD no frequency). This sequence change replaces valine, which is neutral and non-polar, with leucine, which is neutral and non-polar, at codon 3930 of the ADGRV1 protein (p.Val3930Leu).

NM_032119.4(ADGRV1):c.11788G>T (p.Val3930Leu)

Gene: ADGRV1 (adhesion G protein-coupled receptor V1; plus strand). Cytogenetic location: 5q14.3.
Variant type: single nucleotide variant.
Coding change: c.11788G>T on transcript NM_032119.4 (MANE Select); coding-DNA position 11788, G replaced by T.
Protein change: p.Val3930Leu; replaces valine 3930 with leucine.
Molecular consequence: missense variant. On other transcripts: non-coding transcript variant (1).
Genome position (GRCh38, 1-based): chr5:90,757,009, G>T. VCF-style: chr5-90757009-G-T. GRCh37 (hg19) VCF-style: chr5-90052826-G-T.
Other names: short protein forms V3930L.
Identifiers: ClinVar variation 1513119 (VCV001513119.6), dbSNP rs1293527170, ClinGen allele CA360370967.